The following is an entry in ClinVar:

GRCh38/hg38 18q22.1(chr18:68059968-68865306)x3

Genes: CCDC102B (coiled-coil domain containing 102B; plus strand), LINC01912 (long intergenic non-protein coding RNA 1912; minus strand), TMX3 (thioredoxin related transmembrane protein 3; minus strand), LOC126862783 (MED14-independent group 3 enhancer GRCh37_chr18:66103358-66104557; plus strand), LOC130062690 (ATAC-STARR-seq lymphoblastoid silent region 9536; plus strand) and 3 more. Cytogenetic location: 18q22.1.
Variant type: copy number gain.
Change: copy number 3 (three copies instead of two) of chr18:68,059,968-68,865,306 (805.3 kb, GRCh38 coordinates, 1-based), cytogenetic band 18q22.1.
Identifiers: ClinVar variation 57011 (VCV000057011.1).

ClinVar aggregate classification (germline): Uncertain significance (1 of 4 stars; one submission).

Submission:

ISCA site 4
Classification: Uncertain significance. Last evaluated: 2011-08-12. Review status: criteria provided, single submitter. Criteria: Kaminsky et al. (Genet Med. 2011). Collection method: clinical testing. Allele origin: unknown. Affected: yes. Observed: 1 variant allele.
Comment: Copy number variation identified through the course of routine clinical cytogenomic testing in postnatal populations. Clinical assertions have been curated as described in Kaminsky et al. 2011.